The following is an entry in ClinVar:

ClinVar aggregate classification (germline): Likely pathogenic (1 of 4 stars; one submission).

Submission:

Center for Genomic Medicine, Rigshospitalet, Copenhagen University Hospital
Classification: Likely pathogenic. Last evaluated: 2025-03-04. Review status: criteria provided, single submitter. Criteria: ACMG Guidelines, 2015. Collection method: clinical testing. Allele origin: germline.
Comment: Classification criteria: PVS1, PM2_supporting

NM_003126.4(SPTA1):c.4398T>A (p.Tyr1466Ter)

Gene: SPTA1 (spectrin alpha, erythrocytic 1; minus strand). Cytogenetic location: 1q23.1.
Variant type: single nucleotide variant.
Coding change: c.4398T>A on transcript NM_003126.4 (MANE Select); coding-DNA position 4398, T replaced by A.
Protein change: p.Tyr1466Ter; replaces tyrosine 1466 with a stop codon.
Molecular consequence: nonsense.
Genome position (GRCh38, 1-based): chr1:158,643,366, A>T on the plus strand (T>A on the coding strand, the complement: SPTA1 is on the minus strand). VCF-style: chr1-158643366-A-T. GRCh37 (hg19) VCF-style: chr1-158613156-A-T.
Other names: short protein forms Y1466*.
Identifiers: ClinVar variation 3765404 (VCV003765404.1).
Genomic context (GRCh38, chr1:158,643,366, plus strand): 5'-ATCACTCAGGCCTGACCTGTCTAGTACACGTTGGAGCCGCGTAGCAATCTCTTCTTTGGC[A>T]TAGTGTTCATCAGCAATGAGGCTCTCAGCAAAATGTTCTAGGTCAGTGATCTTCCCTTCC-3'